The following is an entry in ClinVar:

NM_007254.4(PNKP):c.1523_1539del (p.Glu508fs)

Gene: PNKP (polynucleotide kinase 3'-phosphatase; minus strand). Cytogenetic location: 19q13.33.
Variant type: Deletion.
Coding change: c.1523_1539del on transcript NM_007254.4 (MANE Select); coding-DNA positions 1523 to 1539, 17 bases deleted (AGCCGAGGCTGGGGCGG).
Protein change: p.Glu508fs; shifts the reading frame from glutamic acid 508.
Molecular consequence: frameshift variant.
Genome position (GRCh38, 1-based): chr19:49,861,275-49,861,291, CCGCCCCAGCCTCGGCT deleted on the plus strand (AGCCGAGGCTGGGGCGG on the coding strand, the reverse complement: PNKP is on the minus strand); deleting any 17 consecutive bases within chr19:49,861,275-49,861,293 gives the same sequence; the c. name uses the placement nearest the transcript's 3' end. VCF-style (leftmost placement, unchanged base first): chr19-49861274-GCCGCCCCAGCCTCGGCT-G. GRCh37 (hg19) VCF-style: chr19-50364531-GCCGCCCCAGCCTCGGCT-G.
Other names: short protein forms E508fs.
Identifiers: ClinVar variation 3356676 (VCV003356676.1).
Genomic context (GRCh38, chr19:49,861,274, plus strand): 5'-ACAGCGTTTATTGTGGAGGGGAGCTGGGCGGGGCTCAGCCCTCGGAGAACTGGCAGTACA[GCCGCCCCAGCCTCGGCT>G]CCACCCATAGCCGGAACGGGATCTCCAGGATGGCAGAGAAGCCTTCAGCCAGCGTTGGGG-3'

ClinVar aggregate classification (germline): Likely pathogenic (0 of 4 stars; one submission).

Conditions:
PNKP-related disorder. Also called: PNKP-related condition; PNKP-related disorders.

Submission:

PreventionGenetics, part of Exact Sciences
Classification: Likely pathogenic for PNKP-related condition. Last evaluated: 2024-03-12. Review status: no assertion criteria provided. Collection method: clinical testing. Allele origin: germline.
Comment: The PNKP c.1523_1539del17 variant is predicted to result in a frameshift and premature protein termination (p.Glu508Alafs*24). To our knowledge, this variant has not been reported in the literature. This variant is reported in 0.0080% of alleles in individuals of African descent in gnomAD. Other truncating variants in the surrounding region of this variant have been reported to be pathogenic (HGMD database, ClinVar database). Frameshift variants in PNKP are expected to be pathogenic. This variant is interpreted as likely pathogenic.